The following is an entry in ClinVar:

GRCh37/hg19 Yq11.21-12(chrY:14370813-59373566)x0

Genes: BPY2 (basic charge Y-linked 2; plus strand), BPY2B (basic charge Y-linked 2B; plus strand), BPY2C (basic charge Y-linked 2C; minus strand), CDY1 (chromodomain Y-linked 1; plus strand), CDY2A (chromodomain Y-linked 2A; plus strand) and 44 more. Cytogenetic location: Yq11.21-12.
Variant type: copy number loss.
Change: copy number 0 of chrY:14,370,813-59,373,566 (45.00 Mb, GRCh37 coordinates, 1-based), cytogenetic band Yq11.21-12.
Identifiers: ClinVar variation 1808617 (VCV001808617.1).

ClinVar aggregate classification (germline): Pathogenic (1 of 4 stars; one submission).

Submission:

Quest Diagnostics Nichols Institute San Juan Capistrano
Classification: Pathogenic. Last evaluated: 2022-03-28. Review status: criteria provided, single submitter. Criteria: ACMG/ClinGen CNV Guidelines, 2019. Collection method: clinical testing. Allele origin: unknown.
Comment: The terminal deletion of Yq involves multiple genes including the cluster of DAZ (deleted in azoospermia), genes which is also named azoospermia factor c (AZFc). Deletions of AZFc were associated with a variable testicular pathology, and in rare cases AZFc deletions were even found inherited from father to son. However, AZFc deletions were found with a frequency of 10-20% only in infertile men and most of them were proven to be de novo (Vogt and Fernandes, APMIS. 2003 Jan;111(1):115-26, PMID: 12752250; Repping et al., Genomics 83: 1046-1052, 2004; PubMed: 15177557).